The following is an entry in ClinVar:

ClinVar aggregate classification (germline): Uncertain significance. Review status: criteria provided, multiple submitters, no conflicts (2 of 4 stars). 2 submissions from 2 submitters: Uncertain significance (2). Last evaluated 2024-12-14.

Conditions:
Inborn genetic diseases. Identifiers: MedGen C0950123, MeSH D030342.

Allele frequency attached by ClinVar (database versions not stated): ExAC 0.00003.

Submissions (2):

Ambry Genetics
Classification: Uncertain significance for Inborn genetic diseases. Last evaluated: 2024-12-14. Review status: criteria provided, single submitter. Criteria: Ambry Variant Classification Scheme 2023. Collection method: clinical testing. Allele origin: germline.

GeneDx
Classification: Uncertain significance. Last evaluated: 2021-04-26. Review status: criteria provided, single submitter. Criteria: GeneDx Variant Classification Process June 2021. Collection method: clinical testing. Allele origin: germline. Affected: yes.
Comment: Not observed at a significant frequency in large population cohorts (Lek et al., 2016); In silico analysis supports that this missense variant has a deleterious effect on protein structure/function; Has not been previously published as pathogenic or benign to our knowledge

NM_005886.3(KATNB1):c.910C>T (p.Arg304Cys)

Gene: KATNB1 (katanin regulatory subunit B1; plus strand). Cytogenetic location: 16q21.
Variant type: single nucleotide variant.
Coding change: c.910C>T on transcript NM_005886.3 (MANE Select); coding-DNA position 910, C replaced by T.
Protein change: p.Arg304Cys; replaces arginine 304 with cysteine.
Molecular consequence: missense variant.
Genome position (GRCh38, 1-based): chr16:57,753,131, C>T. VCF-style: chr16-57753131-C-T. GRCh37 (hg19) VCF-style: chr16-57787043-C-T.
Other names: short protein forms R304C.
Identifiers: ClinVar variation 1314786 (VCV001314786.3), dbSNP rs900019824, ClinGen allele CA8080941.